The following is an entry in ClinVar:

ClinVar aggregate classification (germline): Uncertain significance (1 of 4 stars; one submission).

Allele frequency attached by ClinVar (database versions not stated): gnomAD exomes below 0.00001; gnomAD 0.00001; TOPMed 0.00002; ExAC 0.00004.
gnomAD v4.1: 5 of 1,606,468 alleles (0.00031%); highest among the groups gnomAD compares: African/African-American, 0.0067%; no homozygotes.

Submission:

Labcorp Genetics (formerly Invitae), Labcorp
Classification: Uncertain significance. Last evaluated: 2022-07-18. Review status: criteria provided, single submitter. Criteria: Invitae Variant Classification Sherloc (09022015). Collection method: clinical testing. Allele origin: germline.
Comment: In summary, the available evidence is currently insufficient to determine the role of this variant in disease. Therefore, it has been classified as a Variant of Uncertain Significance. Algorithms developed to predict the effect of missense changes on protein structure and function output the following: SIFT: "Tolerated"; PolyPhen-2: "Benign"; Align-GVGD: "Class C0". The valine amino acid residue is found in multiple mammalian species, which suggests that this missense change does not adversely affect protein function. This variant has not been reported in the literature in individuals affected with LOXL3-related conditions. The frequency data for this variant in the population databases is considered unreliable, as metrics indicate poor data quality at this position in the gnomAD database. This sequence change replaces alanine, which is neutral and non-polar, with valine, which is neutral and non-polar, at codon 227 of the LOXL3 protein (p.Ala227Val).

NM_032603.5(LOXL3):c.680C>T (p.Ala227Val)

Genes: DOK1 (docking protein 1; plus strand), LOXL3 (lysyl oxidase like 3; minus strand). Cytogenetic location: 2p13.1.
Variant type: single nucleotide variant.
Coding change: c.680C>T on transcript NM_032603.5 (MANE Select); coding-DNA position 680, C replaced by T.
Protein change: p.Ala227Val; replaces alanine 227 with valine.
Molecular consequence: missense variant. On other transcripts: 5 prime UTR variant (1), intron variant (2).
Genome position (GRCh38, 1-based): chr2:74,549,381, G>A on the plus strand (C>T on the coding strand, the complement: LOXL3 is on the minus strand). VCF-style: chr2-74549381-G-A. GRCh37 (hg19) VCF-style: chr2-74776508-G-A.
Other names: c.-184C>T (NM_001289165.2); c.477+804C>T (NM_001289164.3); c.-358+209G>A (NM_001197260.2); short protein forms A227V.
Identifiers: ClinVar variation 1938813 (VCV001938813.4), dbSNP rs760921521, ClinGen allele CA1729125.
Genomic context (GRCh38, chr2:74,549,381, plus strand): 5'-GAGCACCCCAATCCCGGCCTGCTCCGCCCGGCGCCCGCGGCCCCTCACCTGTAGAAGGCC[G>A]CGTTGACCCTCTTTTCGCTGGGGAAGCCCAGCATCCCGCAGACCACGTGGCTGTTGTGGG-3'
Protein context (NP_115992.1, residues 217-237): LGFPSEKRVN[Ala227Val]AFYRLLAQRQ